The following is an entry in ClinVar:

ClinVar aggregate classification (germline): Likely benign (1 of 4 stars; one submission).

Submission:

CeGaT Center for Human Genetics Tuebingen
Classification: Likely benign. Last evaluated: 2023-05-01. Review status: criteria provided, single submitter. Criteria: CeGaT Center For Human Genetics Tuebingen Variant Classification Criteria Version 2. Collection method: clinical testing. Allele origin: germline. Affected: yes. Observed: 1 variant allele.
Comment: ABCG5: PM2:Supporting, BP4, BP7

NM_022436.3(ABCG5):c.264A>C (p.Ser88=)

Gene: ABCG5 (ATP binding cassette subfamily G member 5; minus strand). Cytogenetic location: 2p21.
Variant type: single nucleotide variant.
Coding change: c.264A>C on transcript NM_022436.3 (MANE Select); coding-DNA position 264, A replaced by C.
Protein change: p.Ser88=; no amino-acid change (serine 88 retained).
Molecular consequence: synonymous variant.
Genome position (GRCh38, 1-based): chr2:43,837,835, T>G on the plus strand (A>C on the coding strand, the complement: ABCG5 is on the minus strand). VCF-style: chr2-43837835-T-G. GRCh37 (hg19) VCF-style: chr2-44064974-T-G.
Identifiers: ClinVar variation 2571075 (VCV002571075.27), dbSNP rs2466139898, ClinGen allele CA425748183.